The following is an entry in ClinVar:

ClinVar aggregate classification (germline): Uncertain significance (0 of 4 stars; one submission).

Conditions:
ASH1L-related disorder. Also called: ASH1L-related condition.

Submission:

PreventionGenetics, part of Exact Sciences
Classification: Uncertain significance for ASH1L-related condition. Last evaluated: 2024-03-24. Review status: no assertion criteria provided. Collection method: clinical testing. Allele origin: germline.
Comment: The ASH1L c.7214-1G>A variant is predicted to disrupt the AG splice acceptor site and interfere with normal splicing. To our knowledge, this variant has not been reported in the literature or in a large population database, indicating this variant is rare. Although we suspect that this variant may be pathogenic, at this time, the clinical significance of this variant is uncertain due to the absence of conclusive functional and genetic evidence.

NM_018489.3(ASH1L):c.7214-1G>A

Gene: ASH1L (ASH1 like histone lysine methyltransferase; minus strand). Cytogenetic location: 1q22.
Variant type: single nucleotide variant.
Coding change: c.7214-1G>A on transcript NM_018489.3 (MANE Select); the canonical splice acceptor site of the intron before coding-DNA position 7214, G replaced by A.
Molecular consequence: splice acceptor variant.
Genome position (GRCh38, 1-based): chr1:155,352,859, C>T on the plus strand (G>A on the coding strand, the complement: ASH1L is on the minus strand). VCF-style: chr1-155352859-C-T. GRCh37 (hg19) VCF-style: chr1-155322650-C-T.
Other names: c.7229-1G>A (NM_001366177.2).
Identifiers: ClinVar variation 3350070 (VCV003350070.1).